The following is an entry in ClinVar:

ClinVar aggregate classification (germline): Uncertain significance (1 of 4 stars; one submission).

Conditions:
Syndromic multisystem autoimmune disease due to ITCH deficiency. Also called: AUTOIMMUNE DISEASE, MULTISYSTEM, WITH FACIAL DYSMORPHISM. Identifiers: Orphanet 228426, MedGen C3150649, MONDO:0013245, OMIM 613385.

Allele frequency attached by ClinVar (database versions not stated): gnomAD exomes 0.00001 and 0.00004; ExAC 0.00003; ESP Exome Variant Server 0.00008; gnomAD 0.00008 and 0.00009; TOPMed 0.00012; 1000 Genomes Project 0.00060; 1000 Genomes Project 30x 0.00078.
gnomAD v4.1: 25 of 1,605,634 alleles (0.0016%); highest among the groups gnomAD compares: Admixed American, 0.032%; no homozygotes.

Submission:

Labcorp Genetics (formerly Invitae), Labcorp
Classification: Uncertain significance for Syndromic multisystem autoimmune disease due to ITCH deficiency. Last evaluated: 2022-07-26. Review status: criteria provided, single submitter. Criteria: Invitae Variant Classification Sherloc (09022015). Collection method: clinical testing. Allele origin: germline.
Comment: This sequence change affects codon 112 of the ITCH mRNA. It is a 'silent' change, meaning that it does not change the encoded amino acid sequence of the ITCH protein. It affects a nucleotide within the consensus splice site. This variant is present in population databases (rs140692208, gnomAD 0.02%). This variant has not been reported in the literature in individuals affected with ITCH-related conditions. ClinVar contains an entry for this variant (Variation ID: 1446997). Algorithms developed to predict the effect of sequence changes on RNA splicing suggest that this variant may disrupt the consensus splice site. In summary, the available evidence is currently insufficient to determine the role of this variant in disease. Therefore, it has been classified as a Variant of Uncertain Significance.

NM_031483.7(ITCH):c.336A>G (p.Lys112=)

Gene: ITCH (itchy E3 ubiquitin protein ligase; plus strand). Cytogenetic location: 20q11.22.
Variant type: single nucleotide variant.
Coding change: c.336A>G on transcript NM_031483.7 (MANE Select); coding-DNA position 336, A replaced by G.
Protein change: p.Lys112=; no amino-acid change (lysine 112 retained).
Molecular consequence: synonymous variant.
Genome position (GRCh38, 1-based): chr20:34,412,638, A>G. VCF-style: chr20-34412638-A-G. GRCh37 (hg19) VCF-style: chr20-33000444-A-G.
Other names: c.336A>G, p.Lys112= (NM_001257137.3, NM_001324197.2, NM_001324198.2); c.6A>G, p.Lys2= (NM_001257138.3).
Identifiers: ClinVar variation 1446997 (VCV001446997.3), dbSNP rs140692208, ClinGen allele CA9821284.